The following is an entry in ClinVar:

ClinVar aggregate classification (germline): Uncertain significance (1 of 4 stars; one submission).

Conditions:
Inborn genetic diseases. Identifiers: MedGen C0950123, MeSH D030342.

Submission:

Ambry Genetics
Classification: Uncertain significance for Inborn genetic diseases. Last evaluated: 2017-12-16. Review status: criteria provided, single submitter. Criteria: Ambry Variant Classification Scheme 2023. Collection method: clinical testing. Allele origin: germline.
Comment: The p.H29Y variant (also known as c.85C>T), located in coding exon 2 of the CHRNA4 gene, results from a C to T substitution at nucleotide position 85. The histidine at codon 29 is replaced by tyrosine, an amino acid with similar properties. This amino acid position is not conserved on limited sequence alignment. In addition, this alteration is predicted to be tolerated by in silico analysis. Since supporting evidence is limited at this time, the clinical significance of this alteration remains unclear.

NM_000744.7(CHRNA4):c.85C>T (p.His29Tyr)

Gene: CHRNA4 (cholinergic receptor nicotinic alpha 4 subunit; minus strand). Cytogenetic location: 20q13.33.
Variant type: single nucleotide variant.
Coding change: c.85C>T on transcript NM_000744.7 (MANE Select); coding-DNA position 85, C replaced by T.
Protein change: p.His29Tyr; replaces histidine 29 with tyrosine.
Molecular consequence: missense variant. On other transcripts: 5 prime UTR variant (1), non-coding transcript variant (1).
Genome position (GRCh38, 1-based): chr20:63,359,691, G>A on the plus strand (C>T on the coding strand, the complement: CHRNA4 is on the minus strand). VCF-style: chr20-63359691-G-A. GRCh37 (hg19) VCF-style: chr20-61991043-G-A.
Other names: c.-462C>T (NM_001256573.2); short protein forms H29Y.
Identifiers: ClinVar variation 1764002 (VCV001764002.2), dbSNP rs2516573562, ClinGen allele CA409644064.
Genomic context (GRCh38, chr20:63,359,691, plus strand): 5'-TGTAACCGGAGAAGAGTTTCTTCAGGAGCCGCTCCTCGGCGTGGGCCCGGGTCTCCACAT[G>A]GCTGCTGGCTGCGGGGAGAGGCAGGCCAGTGGCTCAGGTGCAGGCGGGACAGGAGCCGGG-3'
Protein context (NP_000735.1, residues 19-39): LGTGLLRASS[His29Tyr]VETRAHAEER